The following is an entry in ClinVar:

NM_001035.3(RYR2):c.7868T>C (p.Leu2623Pro)

Gene: RYR2 (ryanodine receptor 2; plus strand). Cytogenetic location: 1q43.
Variant type: single nucleotide variant.
Coding change: c.7868T>C on transcript NM_001035.3 (MANE Select); coding-DNA position 7868, T replaced by C.
Protein change: p.Leu2623Pro; replaces leucine 2623 with proline.
Molecular consequence: missense variant.
Genome position (GRCh38, 1-based): chr1:237,654,317, T>C. VCF-style: chr1-237654317-T-C. GRCh37 (hg19) VCF-style: chr1-237817617-T-C.
Other names: c.7868T>C, p.Leu2623Pro (LRG_402t1); short protein forms L2623P.
Identifiers: ClinVar variation 519407 (VCV000519407.6), dbSNP rs1553269568, ClinGen allele CA345400234.

ClinVar aggregate classification (germline): Uncertain significance. Review status: criteria provided, multiple submitters, no conflicts (2 of 4 stars). 2 submissions from 2 submitters: Uncertain significance (2). Last evaluated 2025-03-16.

Conditions:
Cardiovascular phenotype. Identifiers: MedGen CN230736.
Catecholaminergic polymorphic ventricular tachycardia 1. Also called: RYR2-Related Catecholaminergic Polymorphic Ventricular Tachycardia; VENTRICULAR TACHYCARDIA, CATECHOLAMINERGIC POLYMORPHIC, 1, WITH OR WITHOUT ATRIAL DYSFUNCTION AND/OR DILATED CARDIOMYOPATHY; VENTRICULAR TACHYCARDIA, STRESS-INDUCED POLYMORPHIC 1. Identifiers: Orphanet 3286, MedGen C1631597, MONDO:0011484, OMIM 604772.

Allele frequency attached by ClinVar (database versions not stated): gnomAD exomes below 0.00001.
gnomAD v4.1: 2 of 1,613,976 alleles (0.00012%); highest among the groups gnomAD compares: Non-Finnish European, 0.00017%; no homozygotes.

Submissions (2):

Labcorp Genetics (formerly Invitae), Labcorp
Classification: Uncertain significance for Catecholaminergic polymorphic ventricular tachycardia 1. Last evaluated: 2025-03-16. Review status: criteria provided, single submitter. Criteria: Invitae Variant Classification Sherloc (09022015). Collection method: clinical testing. Allele origin: germline.
Comment: This sequence change replaces leucine, which is neutral and non-polar, with proline, which is neutral and non-polar, at codon 2623 of the RYR2 protein (p.Leu2623Pro). This variant is not present in population databases (gnomAD no frequency). This variant has not been reported in the literature in individuals affected with RYR2-related conditions. ClinVar contains an entry for this variant (Variation ID: 519407). Invitae Evidence Modeling of protein sequence and biophysical properties (such as structural, functional, and spatial information, amino acid conservation, physicochemical variation, residue mobility, and thermodynamic stability) indicates that this missense variant is expected to disrupt RYR2 protein function with a positive predictive value of 95%. In summary, the available evidence is currently insufficient to determine the role of this variant in disease. Therefore, it has been classified as a Variant of Uncertain Significance.

Ambry Genetics
Classification: Uncertain significance for Cardiovascular phenotype. Last evaluated: 2017-03-11. Review status: criteria provided, single submitter. Criteria: Ambry Variant Classification Scheme 2023. Collection method: clinical testing. Allele origin: germline.
Comment: The p.L2623P variant (also known as c.7868T>C), located in coding exon 52 of the RYR2 gene, results from a T to C substitution at nucleotide position 7868. The leucine at codon 2623 is replaced by proline, an amino acid with similar properties. This amino acid position is highly conserved in available vertebrate species. In addition, this alteration is predicted to be deleterious by in silico analysis. Since supporting evidence is limited at this time, the clinical significance of this alteration remains unclear.